The following is an entry in ClinVar:

NM_032447.5(FBN3):c.8065C>T (p.Arg2689Cys)

Gene: FBN3 (fibrillin 3; minus strand). Cytogenetic location: 19p13.2.
Variant type: single nucleotide variant.
Coding change: c.8065C>T on transcript NM_032447.5 (MANE Select); coding-DNA position 8065, C replaced by T.
Protein change: p.Arg2689Cys; replaces arginine 2689 with cysteine.
Molecular consequence: missense variant.
Genome position (GRCh38, 1-based): chr19:8,072,071, G>A on the plus strand (C>T on the coding strand, the complement: FBN3 is on the minus strand). VCF-style: chr19-8072071-G-A. GRCh37 (hg19) VCF-style: chr19-8136955-G-A.
Other names: c.8065C>T, p.Arg2689Cys (NM_001321431.2); short protein forms R2689C.
Identifiers: ClinVar variation 623924 (VCV000623924.44), dbSNP rs369315242, ClinGen allele CA9150646.
Genomic context (GRCh38, chr19:8,072,071, plus strand): 5'-CCCTGGCCACCCCTGCCTAGTGCAGCACCCATGTCACCTGGTGGTCCCTGTGGGCACTGC[G>A]TCGTGGCCGGTCCCGAGGGGAGAGGCCATTGATCTTGCATTCGTAGCAGGCTTCAGACGA-3'
Protein context (NP_115823.3, residues 2679-2699): NGLSPRDRPR[Arg2689Cys]SAHRDHQVNL

ClinVar aggregate classification (germline): Uncertain significance. Review status: criteria provided, multiple submitters, no conflicts (2 of 4 stars). 2 submissions from 2 submitters: Uncertain significance (2). Last evaluated 2026-01-27.

Allele frequency attached by ClinVar (database versions not stated): ExAC 0.00006; TOPMed 0.00006; gnomAD 0.00007; ESP Exome Variant Server 0.00008; 1000 Genomes Project 0.00020; 1000 Genomes Project 30x 0.00031.
gnomAD v4.1: 97 of 1,612,402 alleles (0.006%); highest among the groups gnomAD compares: East Asian, 0.011%; no homozygotes.

Submissions (2):

Labcorp Genetics (formerly Invitae), Labcorp
Classification: Uncertain significance. Last evaluated: 2026-01-27. Review status: criteria provided, single submitter. Criteria: Invitae Variant Classification Sherloc (09022015). Collection method: clinical testing. Allele origin: germline.
Comment: This sequence change replaces arginine, which is basic and polar, with cysteine, which is neutral and slightly polar, at codon 2689 of the FBN3 protein (p.Arg2689Cys). This variant is present in population databases (rs369315242, gnomAD 0.007%). This variant has not been reported in the literature in individuals affected with FBN3-related conditions. ClinVar contains an entry for this variant (Variation ID: 623924). Invitae Evidence Modeling of protein sequence and biophysical properties (such as structural, functional, and spatial information, amino acid conservation, physicochemical variation, residue mobility, and thermodynamic stability) indicates that this missense variant is expected to disrupt FBN3 protein function with a positive predictive value of 80%. In summary, the available evidence is currently insufficient to determine the role of this variant in disease. Therefore, it has been classified as a Variant of Uncertain Significance.

CeGaT Center for Human Genetics Tuebingen
Classification: Uncertain significance. Last evaluated: 2018-07-01. Review status: criteria provided, single submitter. Criteria: CeGaT Center For Human Genetics Tuebingen Variant Classification Criteria Version 2. Collection method: clinical testing. Allele origin: germline. Affected: yes. Observed: 2 variant alleles.